The following is an entry in ClinVar:

ClinVar aggregate classification (germline): Uncertain significance. Review status: criteria provided, multiple submitters, no conflicts (2 of 4 stars). 2 submissions from 2 submitters: Uncertain significance (2). Last evaluated 2025-06-25.

Allele frequency attached by ClinVar (database versions not stated): gnomAD 0.00001; ExAC 0.00002.
gnomAD v4.1: 33 of 1,613,658 alleles (0.002%); highest among the groups gnomAD compares: Middle Eastern, 0.016%; no homozygotes.

Submissions (2):

Ambry Genetics
Classification: Uncertain significance. Last evaluated: 2025-06-25. Review status: criteria provided, single submitter. Criteria: Ambry Variant Classification Scheme 2023. Collection method: clinical testing. Allele origin: germline.

Labcorp Genetics (formerly Invitae), Labcorp
Classification: Uncertain significance. Last evaluated: 2023-08-04. Review status: criteria provided, single submitter. Criteria: Invitae Variant Classification Sherloc (09022015). Collection method: clinical testing. Allele origin: germline.
Comment: This sequence change replaces glycine, which is neutral and non-polar, with valine, which is neutral and non-polar, at codon 354 of the CEP89 protein (p.Gly354Val). This variant is present in population databases (rs773463230, gnomAD 0.006%). This variant has not been reported in the literature in individuals affected with CEP89-related conditions. An algorithm developed to predict the effect of missense changes on protein structure and function (PolyPhen-2) suggests that this variant is likely to be disruptive. In summary, the available evidence is currently insufficient to determine the role of this variant in disease. Therefore, it has been classified as a Variant of Uncertain Significance.

NM_032816.5(CEP89):c.1061G>T (p.Gly354Val)

Gene: CEP89 (centrosomal protein 89; minus strand). Cytogenetic location: 19q13.11.
Variant type: single nucleotide variant.
Coding change: c.1061G>T on transcript NM_032816.5 (MANE Select); coding-DNA position 1061, G replaced by T.
Protein change: p.Gly354Val; replaces glycine 354 with valine.
Molecular consequence: missense variant.
Genome position (GRCh38, 1-based): chr19:32,926,953, C>A on the plus strand (G>T on the coding strand, the complement: CEP89 is on the minus strand). VCF-style: chr19-32926953-C-A. GRCh37 (hg19) VCF-style: chr19-33417859-C-A.
Other names: c.1061G>T (NM_032816.3); short protein forms G354V.
Identifiers: ClinVar variation 2958577 (VCV002958577.4), dbSNP rs773463230, ClinGen allele CA9359431.